The following is an entry in ClinVar:

ClinVar aggregate classification (germline): Uncertain significance. Review status: criteria provided, multiple submitters, no conflicts (2 of 4 stars). 3 submissions from 3 submitters: Uncertain significance (3). Last evaluated 2023-12-11.

Conditions:
Inborn genetic diseases. Identifiers: MedGen C0950123, MeSH D030342.
Acyl-CoA oxidase deficiency. Also called: Pseudoneonatal adrenoleukodystrophy; STRAIGHT-CHAIN ACYL-CoA OXIDASE DEFICIENCY; Peroxisomal acyl-CoA oxidase deficiency. Identifiers: Orphanet 2971, MedGen C1849678, MONDO:0009919, OMIM 264470. Disease mechanism: loss of function.

Allele frequency attached by ClinVar (database versions not stated): TOPMed 0.00002; gnomAD 0.00003; gnomAD exomes 0.00004; ExAC 0.00005; ESP Exome Variant Server 0.00008.
gnomAD v4.1: 79 of 1,614,044 alleles (0.0049%); highest among the groups gnomAD compares: Non-Finnish European, 0.0059%; no homozygotes.

Submissions (3):

Labcorp Genetics (formerly Invitae), Labcorp
Classification: Uncertain significance for Acyl-CoA oxidase deficiency. Last evaluated: 2023-12-11. Review status: criteria provided, single submitter. Criteria: Invitae Variant Classification Sherloc (09022015). Collection method: clinical testing. Allele origin: germline.
Comment: This sequence change replaces arginine, which is basic and polar, with histidine, which is basic and polar, at codon 591 of the ACOX1 protein (p.Arg591His). This variant is present in population databases (rs369561903, gnomAD 0.006%). This variant has not been reported in the literature in individuals affected with ACOX1-related conditions. ClinVar contains an entry for this variant (Variation ID: 547859). Algorithms developed to predict the effect of missense changes on protein structure and function output the following: SIFT: "Not Available"; PolyPhen-2: "Benign"; Align-GVGD: "Not Available". The histidine amino acid residue is found in multiple mammalian species, which suggests that this missense change does not adversely affect protein function. In summary, the available evidence is currently insufficient to determine the role of this variant in disease. Therefore, it has been classified as a Variant of Uncertain Significance.

Ambry Genetics
Classification: Uncertain significance for Inborn genetic diseases. Last evaluated: 2023-03-01. Review status: criteria provided, single submitter. Criteria: Ambry Variant Classification Scheme 2023. Collection method: clinical testing. Allele origin: germline.

Mayo Clinic Laboratories, Mayo Clinic
Classification: Uncertain significance for Acyl-CoA oxidase deficiency. Last evaluated: 2016-07-01. Review status: criteria provided, single submitter. Criteria: ACMG Guidelines, 2015. Collection method: clinical testing. Allele origin: paternal.

NM_004035.7(ACOX1):c.1772G>A (p.Arg591His)

Gene: ACOX1 (acyl-CoA oxidase 1; minus strand). Cytogenetic location: 17q25.1.
Variant type: single nucleotide variant.
Coding change: c.1772G>A on transcript NM_004035.7 (MANE Select); coding-DNA position 1772, G replaced by A.
Protein change: p.Arg591His; replaces arginine 591 with histidine.
Molecular consequence: missense variant.
Genome position (GRCh38, 1-based): chr17:75,948,414, C>T on the plus strand (G>A on the coding strand, the complement: ACOX1 is on the minus strand). VCF-style: chr17-75948414-C-T. GRCh37 (hg19) VCF-style: chr17-73944495-C-T.
Other names: c.1658G>A, p.Arg553His (NM_001185039.2); c.1772G>A, p.Arg591His (NM_007292.6); short protein forms R591H, R553H.
Identifiers: ClinVar variation 547859 (VCV000547859.9), dbSNP rs369561903, ClinGen allele CA8776659.